The following is an entry in ClinVar:

NM_007317.3(KIF22):c.184G>T (p.Asp62Tyr)

Gene: KIF22 (kinesin family member 22; plus strand). Cytogenetic location: 16p11.2.
Variant type: single nucleotide variant.
Coding change: c.184G>T on transcript NM_007317.3 (MANE Select); coding-DNA position 184, G replaced by T.
Protein change: p.Asp62Tyr; replaces aspartic acid 62 with tyrosine.
Molecular consequence: missense variant. On other transcripts: 5 prime UTR variant (2).
Genome position (GRCh38, 1-based): chr16:29,797,006, G>T. VCF-style: chr16-29797006-G-T. GRCh37 (hg19) VCF-style: chr16-29808327-G-T.
Other names: c.-21G>T (NM_001256269.2, NM_001256270.1); short protein forms D62Y.
Identifiers: ClinVar variation 4744719 (VCV004744719.1).

ClinVar aggregate classification (germline): Uncertain significance (1 of 4 stars; one submission).

Submission:

Labcorp Genetics (formerly Invitae), Labcorp
Classification: Uncertain significance. Last evaluated: 2025-05-03. Review status: criteria provided, single submitter. Criteria: Invitae Variant Classification Sherloc (09022015). Collection method: clinical testing. Allele origin: germline.
Comment: This sequence change replaces aspartic acid, which is acidic and polar, with tyrosine, which is neutral and polar, at codon 62 of the KIF22 protein (p.Asp62Tyr). This variant is not present in population databases (gnomAD no frequency). This variant has not been reported in the literature in individuals affected with KIF22-related conditions. Invitae Evidence Modeling of protein sequence and biophysical properties (such as structural, functional, and spatial information, amino acid conservation, physicochemical variation, residue mobility, and thermodynamic stability) indicates that this missense variant is not expected to disrupt KIF22 protein function with a negative predictive value of 80%. In summary, the available evidence is currently insufficient to determine the role of this variant in disease. Therefore, it has been classified as a Variant of Uncertain Significance.